The following is an entry in ClinVar:

NM_001347721.2(DYRK1A):c.1677G>C (p.Trp559Cys)

Gene: DYRK1A (dual specificity tyrosine phosphorylation regulated kinase 1A; plus strand). Cytogenetic location: 21q22.13.
Variant type: single nucleotide variant.
Coding change: c.1677G>C on transcript NM_001347721.2 (MANE Select); coding-DNA position 1677, G replaced by C.
Protein change: p.Trp559Cys; replaces tryptophan 559 with cysteine.
Molecular consequence: missense variant. On other transcripts: 3 prime UTR variant (1).
Genome position (GRCh38, 1-based): chr21:37,511,943, G>C. VCF-style: chr21-37511943-G-C. GRCh37 (hg19) VCF-style: chr21-38884246-G-C.
Other names: c.1677G>C, p.Trp559Cys (NM_001347722.2, NM_130436.2); c.1590G>C, p.Trp530Cys (NM_001347723.2); c.1704G>C, p.Trp568Cys (NM_001396.5); c.*80G>C (NM_101395.2); c.1579G>C, p.Val527Leu (NM_130438.2); short protein forms V527L, W530C, W559C, W568C.
Identifiers: ClinVar variation 3372359 (VCV003372359.1).

ClinVar aggregate classification (germline): Uncertain significance (1 of 4 stars; one submission).

Submission:

GeneDx
Classification: Uncertain significance. Last evaluated: 2024-04-10. Review status: criteria provided, single submitter. Criteria: GeneDx Variant Classification Process June 2021. Collection method: clinical testing. Allele origin: germline. Affected: yes.
Comment: Not observed at significant frequency in large population cohorts (gnomAD); In silico analysis indicates that this missense variant does not alter protein structure/function; Has not been previously published as pathogenic or benign to our knowledge